The following is an entry in ClinVar:

NM_001005242.3(PKP2):c.2317G>A (p.Gly773Arg)

Gene: PKP2 (plakophilin 2; minus strand). Cytogenetic location: 12p11.21.
Variant type: single nucleotide variant.
Coding change: c.2317G>A on transcript NM_001005242.3 (MANE Select); coding-DNA position 2317, G replaced by A.
Protein change: p.Gly773Arg; replaces glycine 773 with arginine.
Molecular consequence: missense variant.
Genome position (GRCh38, 1-based): chr12:32,796,149, C>T on the plus strand (G>A on the coding strand, the complement: PKP2 is on the minus strand). VCF-style: chr12-32796149-C-T. GRCh37 (hg19) VCF-style: chr12-32949083-C-T.
Other names: c.2449G>A, p.Gly817Arg (NM_004572.4); short protein forms G773R, G817R.
Identifiers: ClinVar variation 1171737 (VCV001171737.18), dbSNP rs766775778, ClinGen allele CA035230.
Genomic context (GRCh38, chr12:32,796,149, plus strand): 5'-GGCAGAACTGAAGGACTTACGCATCGCCTGCACTAATGGCCATAATTTTCTGGATGCCCC[C>T]GGTGTTTAGAAGGTCGCGTGCATTCTGGTAACTGTTTTGGATTATGTTGTTCAATGTGTA-3'
Protein context (NP_001005242.2, residues 763-783): YQNARDLLNT[Gly773Arg]GIQKIMAISA

ClinVar aggregate classification (germline): Uncertain significance. Review status: criteria provided, multiple submitters, no conflicts (2 of 4 stars). 7 submissions from 7 submitters: Uncertain significance (7). Last evaluated 2025-12-27.

Conditions:
Cardiovascular phenotype. Identifiers: MedGen CN230736.
Arrhythmogenic right ventricular cardiomyopathy (ARVD). Also called: Cardiomyopathy, ARVC; Arrhythmogenic right ventricular dysplasia; Arrhythmogenic cardiomyopathy; Arrhythmogenic Right Ventricular Cardiomyopathy (ARVC). Identifiers: Orphanet 247, MedGen C0349788, MeSH D019571, MONDO:0016587. Disease mechanism: loss of function. Inheritance: Various modes of inheritance.
Cardiomyopathy (CMYO). Also called: Cardiomyopathies. Identifiers: Orphanet 167848, MedGen C0878544, MONDO:0004994, HP:0001638. Inheritance: Various modes of inheritance.
Arrhythmogenic right ventricular dysplasia 9 (ARVD9). Also called: Arrhythmogenic Right Ventricular Dysplasia/Cardiomyopathy 9; ARRHYTHMOGENIC RIGHT VENTRICULAR DYSPLASIA, FAMILIAL, 9. Identifiers: MedGen C1836906, MONDO:0012180, OMIM 609040.

Allele frequency attached by ClinVar (database versions not stated): TOPMed below 0.00001; gnomAD 0.00001; gnomAD exomes 0.00001 and 0.00002; ExAC 0.00002.
gnomAD v4.1: 16 of 1,613,914 alleles (0.00099%); highest among the groups gnomAD compares: South Asian, 0.0055%; no homozygotes.

Submissions (7):

Labcorp Genetics (formerly Invitae), Labcorp
Classification: Uncertain significance for Arrhythmogenic right ventricular dysplasia 9. Last evaluated: 2025-12-27. Review status: criteria provided, single submitter. Criteria: Invitae Variant Classification Sherloc (09022015). Collection method: clinical testing. Allele origin: germline.
Comment: This sequence change replaces glycine, which is neutral and non-polar, with arginine, which is basic and polar, at codon 817 of the PKP2 protein (p.Gly817Arg). This variant is present in population databases (rs766775778, gnomAD 0.007%). This variant has not been reported in the literature in individuals affected with PKP2-related conditions. ClinVar contains an entry for this variant (Variation ID: 1171737). An algorithm developed to predict the effect of missense changes on protein structure and function (PolyPhen-2) suggests that this variant is likely to be tolerated. In summary, the available evidence is currently insufficient to determine the role of this variant in disease. Therefore, it has been classified as a Variant of Uncertain Significance.

Ambry Genetics
Classification: Uncertain significance for Cardiovascular phenotype. Last evaluated: 2025-11-19. Review status: criteria provided, single submitter. Criteria: Ambry Variant Classification Scheme 2023. Collection method: clinical testing. Allele origin: germline.

ARUP Laboratories, Molecular Genetics and Genomics, ARUP Laboratories
Classification: Uncertain significance for Arrhythmogenic right ventricular dysplasia 9. Last evaluated: 2024-11-06. Review status: criteria provided, single submitter. Criteria: ARUP Molecular Germline Variant Investigation Process 2024. Collection method: clinical testing. Allele origin: germline.
Comment: The PKP2 c.2449G>A; p.Gly817Arg variant (rs766775778), to our knowledge, is not reported in the medical literature but is reported in ClinVar (Variation ID: 1171737). This variant is found in the general population with an overall allele frequency of 0.0016% (4/251,470 alleles) in the Genome Aggregation Database (v2.1.1). Computational analyses are uncertain whether this variant is neutral or deleterious (REVEL: 0.169). Due to limited information, the clinical significance of the p.Gly817Arg variant is uncertain at this time.

All of Us Research Program, National Institutes of Health
Classification: Uncertain significance for Arrhythmogenic right ventricular cardiomyopathy. Last evaluated: 2024-09-23. Review status: criteria provided, single submitter. Criteria: ACMG Guidelines, 2015. Collection method: clinical testing. Allele origin: germline. Inheritance: Autosomal dominant inheritance. Observed: 8 variant alleles, 8 heterozygotes.
Comment: This missense variant replaces glycine with arginine at codon 817 of the PKP2 protein. Computational prediction suggests that this variant may not impact protein structure and function (internally defined REVEL score threshold <= 0.5, PMID: 27666373). To our knowledge, functional studies have not been reported for this variant. This variant has not been reported in individuals affected with cardiovascular disorders in the literature. This variant has been identified in 4/251470 chromosomes in the general population by the Genome Aggregation Database (gnomAD). The available evidence is insufficient to determine the role of this variant in disease conclusively. Therefore, this variant is classified as a Variant of Uncertain Significance.

This study involves interpretation of variants in research participants for the purpose of population health screening. Participant phenotype was not available at the time of variant classification. Additional details can be found in publication PMID: 35346344, PMCID: PMC8962531

Color Diagnostics, LLC DBA Color Health
Classification: Uncertain significance for Cardiomyopathy. Last evaluated: 2024-03-06. Review status: criteria provided, single submitter. Criteria: ACMG Guidelines, 2015. Collection method: clinical testing. Allele origin: germline.
Comment: This missense variant replaces glycine with arginine at codon 817 of the PKP2 protein. Computational prediction suggests that this variant may not impact protein structure and function (internally defined REVEL score threshold <= 0.5, PMID: 27666373). To our knowledge, functional studies have not been reported for this variant. This variant has not been reported in individuals affected with cardiovascular disorders in the literature. This variant has been identified in 4/251470 chromosomes in the general population by the Genome Aggregation Database (gnomAD). The available evidence is insufficient to determine the role of this variant in disease conclusively. Therefore, this variant is classified as a Variant of Uncertain Significance.

Clinical Genomics Laboratory, Stanford Medicine
Classification: Uncertain significance for Arrhythmogenic right ventricular dysplasia 9. Last evaluated: 2022-01-31. Review status: criteria provided, single submitter. Criteria: ACMG Guidelines, 2015. Collection method: clinical testing. Allele origin: germline. Observed: 1 variant allele, 1 heterozygote.
Comment: The p.Gly817Arg variant in the PKP2 gene has not been previously reported in association with disease. This variant has been identified in 1/16,256 African/African American chromosomes by the Genome Aggregation Database. Computational tools predict that this variant does not impact protein function; however, the accuracy of in silico algorithms is limited. These data were assessed using the ACMG/AMP variant interpretation guidelines. In summary, the significance of the p.Gly817Arg variant is uncertain. Additional information is needed to resolve the significance of this variant. [ACMG evidence codes used: PM2; BP4]_x000D_

Fulgent Genetics
Classification: Uncertain significance for Arrhythmogenic right ventricular dysplasia 9. Last evaluated: 2021-08-12. Review status: criteria provided, single submitter. Criteria: ACMG Guidelines, 2015. Collection method: clinical testing. Allele origin: unknown.